The following is an entry in ClinVar:

ClinVar aggregate classification (germline): Benign/Likely benign. Review status: criteria provided, multiple submitters, no conflicts (2 of 4 stars). 4 submissions from 4 submitters: Benign (2); Likely benign (2). Last evaluated 2026-01-12.

Conditions:
Charcot-Marie-Tooth disease. Also called: Charcot-Marie-Tooth Hereditary Neuropathy; Charcot-Marie-Tooth Neuropathy. Identifiers: Orphanet 166, MedGen C0007959, MONDO:0015626.
Charcot-Marie-Tooth disease axonal type 2O. Also called: Charcot-Marie-Tooth disease, axonal, type 20; CHARCOT-MARIE-TOOTH NEUROPATHY, AXONAL, TYPE 2O; CHARCOT-MARIE-TOOTH DISEASE, AXONAL, AUTOSOMAL DOMINANT, TYPE 2O; Charcot-Marie-Tooth Neuropathy Type 2O. Identifiers: Orphanet 284232, MedGen C3280220, MONDO:0013644, OMIM 614228.
DYNC1H1-related disorder. Also called: DYNC1H1-related disorders; DYNC1H1-related condition. Identifiers: MedGen CN381529.

Allele frequency attached by ClinVar (database versions not stated): TOPMed 0.00001.
gnomAD v4.1: 175 of 1,614,048 alleles (0.011%); highest among the groups gnomAD compares: East Asian, 0.38%; no homozygotes.

Submissions (4):

Labcorp Genetics (formerly Invitae), Labcorp
Classification: Benign for Charcot-Marie-Tooth disease axonal type 2O. Last evaluated: 2026-01-12. Review status: criteria provided, single submitter. Criteria: Invitae Variant Classification Sherloc (09022015). Collection method: clinical testing. Allele origin: germline.

PreventionGenetics, part of Exact Sciences
Classification: Likely benign for DYNC1H1-related condition. Last evaluated: 2025-12-05. Review status: criteria provided, single submitter. Criteria: ACMG Guidelines, 2015. Collection method: clinical testing. Allele origin: germline.
Comment: This variant is classified as likely benign based on ACMG/AMP sequence variant interpretation guidelines (Richards et al. 2015 PMID: 25741868, with internal and published modifications).

GeneDx
Classification: Benign. Last evaluated: 2020-03-19. Review status: criteria provided, single submitter. Criteria: GeneDx Variant Classification Process June 2021. Collection method: clinical testing. Allele origin: germline. Affected: yes.

Molecular Genetics Laboratory, London Health Sciences Centre
Classification: Likely benign for Charcot-Marie-Tooth disease. Review status: criteria provided, single submitter. Criteria: ACMG Guidelines, 2015. Collection method: clinical testing. Allele origin: germline. Affected: yes.

NM_001376.5(DYNC1H1):c.9636C>G (p.Val3212=)

Gene: DYNC1H1 (dynein cytoplasmic 1 heavy chain 1; plus strand). Cytogenetic location: 14q32.31.
Variant type: single nucleotide variant.
Coding change: c.9636C>G on transcript NM_001376.5 (MANE Select); coding-DNA position 9636, C replaced by G.
Protein change: p.Val3212=; no amino-acid change (valine 3212 retained).
Molecular consequence: synonymous variant.
Genome position (GRCh38, 1-based): chr14:102,029,706, C>G. VCF-style: chr14-102029706-C-G. GRCh37 (hg19) VCF-style: chr14-102496043-C-G.
Identifiers: ClinVar variation 698968 (VCV000698968.10), dbSNP rs2295445, ClinGen allele CA7353252.